The following is an entry in ClinVar:

NM_000292.3(PHKA2):c.1171G>A (p.Asp391Asn)

Gene: PHKA2 (phosphorylase kinase regulatory subunit alpha 2; minus strand). Cytogenetic location: Xp22.13.
Variant type: single nucleotide variant.
Coding change: c.1171G>A on transcript NM_000292.3 (MANE Select); coding-DNA position 1171, G replaced by A.
Protein change: p.Asp391Asn; replaces aspartic acid 391 with asparagine.
Molecular consequence: missense variant.
Genome position (GRCh38, 1-based): chrX:18,931,715, C>T on the plus strand (G>A on the coding strand, the complement: PHKA2 is on the minus strand). VCF-style: chrX-18931715-C-T. GRCh37 (hg19) VCF-style: chrX-18949833-C-T.
Other names: c.1171G>A, p.Asp391Asn (NM_001440800.1, NM_001440801.1, NM_001440805.1); c.1072G>A, p.Asp358Asn (NM_001440802.1, NM_001440803.1, NM_001440804.1); short protein forms D358N, D391N.
Identifiers: ClinVar variation 4882241 (VCV004882241.2).

ClinVar aggregate classification (germline): Uncertain significance (1 of 4 stars; one submission).

Submission:

Dasa
Classification: Uncertain significance. Last evaluated: 2025-02-17. Review status: criteria provided, single submitter. Criteria: DASA Assertion Criteria. Collection method: clinical testing. Allele origin: germline.
Comment: NM_000292.3(PHKA2):c.1171G>A (p.Asp391Asn) is a missense variant that results in the substitution of aspartic acid with asparagine. This variant is absent from population databases. The currently available literature and clinical evidence are not sufficient to establish a definitive association between this variant and the reported condition. Therefore, this variant is classified as a variant of uncertain significance.